The following is an entry in ClinVar:

NM_000257.4(MYH7):c.3572C>A (p.Ala1191Asp)

Gene: MYH7 (myosin heavy chain 7; minus strand). Cytogenetic location: 14q11.2.
Variant type: single nucleotide variant.
Coding change: c.3572C>A on transcript NM_000257.4 (MANE Select); coding-DNA position 3572, C replaced by A.
Protein change: p.Ala1191Asp; replaces alanine 1191 with aspartic acid.
Molecular consequence: missense variant.
Genome position (GRCh38, 1-based): chr14:23,419,999, G>T on the plus strand (C>A on the coding strand, the complement: MYH7 is on the minus strand). VCF-style: chr14-23419999-G-T. GRCh37 (hg19) VCF-style: chr14-23889208-G-T.
Other names: c.3572C>A, p.Ala1191Asp (NM_001407004.1); short protein forms A1191D.
Identifiers: ClinVar variation 2737558 (VCV002737558.4), dbSNP rs1352759754, ClinGen allele CA389043430.
Genomic context (GRCh38, chr14:23,419,999, plus strand): 5'-TGCAGGTTGTCGATCTGCTCGCCCAGCTCGGCCACGCTGTCGGCGTGCTTCTTGCGCAGG[G>T]CCGCGGCAGTGGCCTCGTGCTGCAGCGTGGCCTCCTCCAGGTCCCGCCGCATCTTCTGGA-3'
Protein context (NP_000248.2, residues 1181-1201): ATLQHEATAA[Ala1191Asp]LRKKHADSVA

ClinVar aggregate classification (germline): Uncertain significance. Review status: criteria provided, multiple submitters, no conflicts (2 of 4 stars). 2 submissions from 2 submitters: Uncertain significance (2). Last evaluated 2024-03-25.

Conditions:
Hypertrophic cardiomyopathy. Also called: HYPERTROPHIC MYOCARDIOPATHY. Identifiers: Orphanet 217569, MedGen C0007194, MeSH D002312, MONDO:0005045, HP:0001639.

Allele frequency attached by ClinVar (database versions not stated): TOPMed 0.00001.

Submissions (2):

GeneDx
Classification: Uncertain significance. Last evaluated: 2024-03-25. Review status: criteria provided, single submitter. Criteria: GeneDx Variant Classification Process June 2021. Collection method: clinical testing. Allele origin: germline. Affected: yes.
Comment: Not observed at significant frequency in large population cohorts (gnomAD); In silico analysis supports that this missense variant has a deleterious effect on protein structure/function; Has not been previously published as pathogenic or benign to our knowledge

Labcorp Genetics (formerly Invitae), Labcorp
Classification: Uncertain significance for Hypertrophic cardiomyopathy. Last evaluated: 2024-02-23. Review status: criteria provided, single submitter. Criteria: Invitae Variant Classification Sherloc (09022015). Collection method: clinical testing. Allele origin: germline.
Comment: This sequence change replaces alanine, which is neutral and non-polar, with aspartic acid, which is acidic and polar, at codon 1191 of the MYH7 protein (p.Ala1191Asp). This variant is not present in population databases (gnomAD no frequency). This variant has not been reported in the literature in individuals affected with MYH7-related conditions. Advanced modeling of protein sequence and biophysical properties (such as structural, functional, and spatial information, amino acid conservation, physicochemical variation, residue mobility, and thermodynamic stability) performed at Invitae indicates that this missense variant is expected to disrupt MYH7 protein function with a positive predictive value of 95%. In summary, the available evidence is currently insufficient to determine the role of this variant in disease. Therefore, it has been classified as a Variant of Uncertain Significance.